The following is an entry in ClinVar:

ClinVar aggregate classification (germline): Uncertain significance. Review status: criteria provided, multiple submitters, no conflicts (2 of 4 stars). 2 submissions from 2 submitters: Uncertain significance (2). Last evaluated 2025-06-09.

Allele frequency attached by ClinVar (database versions not stated): ExAC 0.00001; gnomAD exomes 0.00002 and 0.00010; gnomAD 0.00003; TOPMed 0.00003; ESP Exome Variant Server 0.00008.
gnomAD v4.1: 144 of 1,613,468 alleles (0.0089%); highest among the groups gnomAD compares: Non-Finnish European, 0.012%; no homozygotes.

Submissions (4):

GeneDx
Classification: Uncertain significance. Last evaluated: 2025-06-09. Review status: criteria provided, single submitter. Criteria: GeneDx Variant Classification Process June 2021. Collection method: clinical testing. Allele origin: germline. Affected: yes.
Comment: Not observed at significant frequency in large population cohorts (gnomAD); Has not been previously published as pathogenic or benign to our knowledge; In silico analysis suggests this variant may impact gene splicing. In the absence of RNA/functional studies, the actual effect of this sequence change is unknown.

Labcorp Genetics (formerly Invitae), Labcorp
Classification: Uncertain significance. Last evaluated: 2021-11-03. Review status: criteria provided, single submitter. Criteria: Invitae Variant Classification Sherloc (09022015). Collection method: clinical testing. Allele origin: germline.
Comment: This sequence change affects codon 662 of the LTBP4 mRNA. It is a 'silent' change, meaning that it does not change the encoded amino acid sequence of the LTBP4 protein. This variant is present in population databases (rs374435431, gnomAD 0.004%). This variant has not been reported in the literature in individuals affected with LTBP4-related conditions. Algorithms developed to predict the effect of sequence changes on RNA splicing suggest that this variant may create or strengthen a splice site. In summary, the available evidence is currently insufficient to determine the role of this variant in disease. Therefore, it has been classified as a Variant of Uncertain Significance.

Dr. Peter K. Rogan Lab, Western University
No classification provided (evidence only). Condition: Acute myeloid leukemia. Review status: no classification provided. Collection method: in vitro. Allele origin: not applicable. Functional consequence: skipped exon. Not counted in ClinVar's aggregate classification.

Dr. Peter K. Rogan Lab, Western University
No classification provided (evidence only). Condition: Ovarian serous cystadenocarcinoma. Review status: no classification provided. Collection method: in vitro. Allele origin: not applicable. Functional consequence: skipped exon. Not counted in ClinVar's aggregate classification.

NM_001042545.2(LTBP4):c.1896G>A (p.Pro632=)

Gene: LTBP4 (latent transforming growth factor beta binding protein 4; plus strand). Cytogenetic location: 19q13.2.
Variant type: single nucleotide variant.
Coding change: c.1896G>A on transcript NM_001042545.2 (MANE Select); coding-DNA position 1896, G replaced by A.
Protein change: p.Pro632=; no amino-acid change (proline 632 retained).
Molecular consequence: synonymous variant.
Genome position (GRCh38, 1-based): chr19:40,611,237, G>A. VCF-style: chr19-40611237-G-A. GRCh37 (hg19) VCF-style: chr19-41117143-G-A.
Other names: c.2097G>A, p.Pro699= (NM_001042544.1); c.1986G>A, p.Pro662= (NM_003573.2).
Identifiers: ClinVar variation 1360346 (VCV001360346.5), dbSNP rs374435431, ClinGen allele CA9448468.